The following is an entry in ClinVar:

NM_004281.4(BAG3):c.5G>A (p.Ser2Asn)

Gene: BAG3 (BAG cochaperone 3; plus strand). Cytogenetic location: 10q26.11.
Variant type: single nucleotide variant.
Coding change: c.5G>A on transcript NM_004281.4 (MANE Select); coding-DNA position 5, G replaced by A.
Protein change: p.Ser2Asn; replaces serine 2 with asparagine.
Molecular consequence: missense variant.
Genome position (GRCh38, 1-based): chr10:119,651,680, G>A. VCF-style: chr10-119651680-G-A. GRCh37 (hg19) VCF-style: chr10-121411192-G-A.
Other names: c.5G>A (NM_004281.3); short protein forms S2N.
Identifiers: ClinVar variation 1390809 (VCV001390809.9), dbSNP rs1396002893, ClinGen allele CA378293972.

ClinVar aggregate classification (germline): Uncertain significance. Review status: criteria provided, multiple submitters, no conflicts (2 of 4 stars). 2 submissions from 2 submitters: Uncertain significance (2). Last evaluated 2023-07-06.

Conditions:
Dilated cardiomyopathy 1HH (CMD1HH). Identifiers: Orphanet 154, MedGen C3151293, MONDO:0013479, OMIM 613881.
Myofibrillar myopathy 6. Identifiers: Orphanet 199340, MedGen C2751831, MONDO:0013061, OMIM 612954.
Cardiovascular phenotype. Identifiers: MedGen CN230736.

Allele frequency attached by ClinVar (database versions not stated): gnomAD exomes below 0.00001.

Submissions (2):

Ambry Genetics
Classification: Uncertain significance for Cardiovascular phenotype. Last evaluated: 2023-07-06. Review status: criteria provided, single submitter. Criteria: Ambry Variant Classification Scheme 2023. Collection method: clinical testing. Allele origin: germline.
Comment: The p.S2N variant (also known as c.5G>A), located in coding exon 1 of the BAG3 gene, results from a G to A substitution at nucleotide position 5. The serine at codon 2 is replaced by asparagine, an amino acid with highly similar properties. This amino acid position is well conserved in available vertebrate species. In addition, this alteration is predicted to be tolerated by in silico analysis. Since supporting evidence is limited at this time, the clinical significance of this alteration remains unclear.

Labcorp Genetics (formerly Invitae), Labcorp
Classification: Uncertain significance for Dilated cardiomyopathy 1HH; Myofibrillar myopathy 6. Last evaluated: 2021-05-13. Review status: criteria provided, single submitter. Criteria: Invitae Variant Classification Sherloc (09022015). Collection method: clinical testing. Allele origin: germline.
Comment: This sequence change replaces serine with asparagine at codon 2 of the BAG3 protein (p.Ser2Asn). The serine residue is moderately conserved and there is a small physicochemical difference between serine and asparagine. This variant is not present in population databases (ExAC no frequency). This variant has not been reported in the literature in individuals with BAG3-related conditions. Algorithms developed to predict the effect of missense changes on protein structure and function are either unavailable or do not agree on the potential impact of this missense change (SIFT: "Tolerated"; PolyPhen-2: "Probably Damaging"; Align-GVGD: "Class C0"). In summary, the available evidence is currently insufficient to determine the role of this variant in disease. Therefore, it has been classified as a Variant of Uncertain Significance.